The following is an entry in ClinVar:

NM_000069.3(CACNA1S):c.2218G>A (p.Asp740Asn)

Gene: CACNA1S (calcium voltage-gated channel subunit alpha1 S; minus strand). Cytogenetic location: 1q32.1.
Variant type: single nucleotide variant.
Coding change: c.2218G>A on transcript NM_000069.3 (MANE Select); coding-DNA position 2218, G replaced by A.
Protein change: p.Asp740Asn; replaces aspartic acid 740 with asparagine.
Molecular consequence: missense variant.
Genome position (GRCh38, 1-based): chr1:201,072,764, C>T on the plus strand (G>A on the coding strand, the complement: CACNA1S is on the minus strand). VCF-style: chr1-201072764-C-T. GRCh37 (hg19) VCF-style: chr1-201041892-C-T.
Other names: c.2218G>A (NM_000069.2); short protein forms D740N.
Identifiers: ClinVar variation 1062995 (VCV001062995.13), dbSNP rs752513328, ClinGen allele CA078873.

ClinVar aggregate classification (germline): Conflicting classifications of pathogenicity. Review status: criteria provided, conflicting classifications (1 of 4 stars). 5 submissions from 5 submitters: Uncertain significance (4); Benign (1). Last evaluated 2026-01-05.

Conditions:
Hypokalemic periodic paralysis, type 1. Also called: Hypokalemic Periodic Paralysis Type 1 (AD); HypoPP. Identifiers: Orphanet 681, MedGen C3714580, MONDO:0042979, OMIM 170400.
Malignant hyperthermia, susceptibility to, 5 (MHS5). Also called: CACNA1S-Related Malignant Hyperthermia Susceptibility. Identifiers: Orphanet 423, MedGen C1866077, MONDO:0011163, OMIM 601887.
Inborn genetic diseases. Identifiers: MedGen C0950123, MeSH D030342.
Thyrotoxic periodic paralysis, susceptibility to, 1 (TTPP1). Identifiers: Orphanet 79102, MedGen C2749982, MONDO:0008570, OMIM 188580.
Congenital myopathy 18. Also called: DIHYDROPYRIDINE RECEPTOR CONGENITAL MYOPATHY; DHPR CONGENITAL MYOPATHY; Myopathy, congenital, due to dihydropyridine receptor defect. Identifiers: MedGen C5830283, MONDO:0859514, OMIM 620246.

Allele frequency attached by ClinVar (database versions not stated): gnomAD exomes 0.00001 and 0.00007; TOPMed 0.00002; gnomAD 0.00004; ExAC 0.00005.
gnomAD v4.1: 24 of 1,613,230 alleles (0.0015%); highest among the groups gnomAD compares: East Asian, 0.038%; no homozygotes.

Submissions (5):

Labcorp Genetics (formerly Invitae), Labcorp
Classification: Benign for Hypokalemic periodic paralysis, type 1; Malignant hyperthermia, susceptibility to, 5. Last evaluated: 2026-01-05. Review status: criteria provided, single submitter. Criteria: Invitae Variant Classification Sherloc (09022015). Collection method: clinical testing. Allele origin: germline.

Ambry Genetics
Classification: Uncertain significance for Inborn genetic diseases. Last evaluated: 2025-08-07. Review status: criteria provided, single submitter. Criteria: Ambry Variant Classification Scheme 2023. Collection method: clinical testing. Allele origin: germline.

Fulgent Genetics
Classification: Uncertain significance for Hypokalemic periodic paralysis, type 1; Thyrotoxic periodic paralysis, susceptibility to, 1; Malignant hyperthermia, susceptibility to, 5; Congenital myopathy 18. Last evaluated: 2024-03-19. Review status: criteria provided, single submitter. Criteria: ACMG Guidelines, 2015. Collection method: clinical testing. Allele origin: germline.

Color Diagnostics, LLC DBA Color Health
Classification: Uncertain significance for Malignant hyperthermia, susceptibility to, 5. Last evaluated: 2024-03-06. Review status: criteria provided, single submitter. Criteria: ACMG Guidelines, 2015. Collection method: clinical testing. Allele origin: germline.
Comment: This missense variant replaces aspartic acid with asparagine at codon 740 of the CACNA1S protein. Computational prediction suggests that this variant may not impact protein structure and function (internally defined REVEL score threshold <= 0.5, PMID: 27666373). To our knowledge, functional studies have not been reported for this variant. This variant has not been reported in individuals affected with CACNA1S-related disorders in the literature. This variant has not been identified in the general population by the Genome Aggregation Database (gnomAD). The available evidence is insufficient to determine the role of this variant in disease conclusively. Therefore, this variant is classified as a Variant of Uncertain Significance.

All of Us Research Program, National Institutes of Health
Classification: Uncertain significance for Malignant hyperthermia, susceptibility to, 5. Last evaluated: 2023-12-01. Review status: criteria provided, single submitter. Criteria: ACMG Guidelines, 2015. Collection method: clinical testing. Allele origin: germline. Inheritance: Autosomal dominant inheritance. Observed: 5 variant alleles, 5 heterozygotes.
Comment: This missense variant replaces aspartic acid with asparagine at codon 740 of the CACNA1S protein. Computational prediction suggests that this variant may not impact protein structure and function (internally defined REVEL score threshold <= 0.5, PMID: 27666373). To our knowledge, functional studies have not been reported for this variant. This variant has not been reported in individuals affected with CACNA1S-related disorders in the literature. This variant has not been identified in the general population by the Genome Aggregation Database (gnomAD). The available evidence is insufficient to determine the role of this variant in disease conclusively. Therefore, this variant is classified as a Variant of Uncertain Significance.

This study involves interpretation of variants in research participants for the purpose of population health screening. Participant phenotype was not available at the time of variant classification. Additional details can be found in publication PMID: 35346344, PMCID: PMC8962531